The following is an entry in ClinVar:

NM_002392.6(MDM2):c.46A>G (p.Thr16Ala)

Genes: MDM2 (MDM2 proto-oncogene; plus strand), LOC126861563 (CDK7 strongly-dependent group 2 enhancer GRCh37_chr12:69202246-69203445; plus strand). Cytogenetic location: 12q15.
Variant type: single nucleotide variant.
Coding change: c.46A>G on transcript NM_002392.6 (MANE Select); coding-DNA position 46, A replaced by G.
Protein change: p.Thr16Ala; replaces threonine 16 with alanine.
Molecular consequence: missense variant.
Genome position (GRCh38, 1-based): chr12:68,809,239, A>G. VCF-style: chr12-68809239-A-G. GRCh37 (hg19) VCF-style: chr12-69203019-A-G.
Other names: c.28A>G, p.Thr10Ala (NM_001145337.3, NM_001145340.3, NM_001278462.2 and 1 more transcripts); c.46A>G, p.Thr16Ala (NM_001145339.2); short protein forms T10A, T16A.
Identifiers: ClinVar variation 1511133 (VCV001511133.8), dbSNP rs1450828029, ClinGen allele CA385702907.
Genomic context (GRCh38, chr12:68,809,239, plus strand): 5'-TTTTCATCGTGTCTTTTTTTTCCTTGTAGGCAAATGTGCAATACCAACATGTCTGTACCT[A>G]CTGATGGTGCTGTAACCACCTCACAGATTCCAGCTTCGGAACAAGAGACCCTGGTTAGTA-3'
Protein context (NP_002383.2, residues 6-26): QMCNTNMSVP[Thr16Ala]DGAVTTSQIP

ClinVar aggregate classification (germline): Uncertain significance (1 of 4 stars; one submission).

Conditions:
Accelerated tumor formation, susceptibility to (ACTFS). Identifiers: MedGen C3280690, OMIM 614401, MONDO:0013733.

Allele frequency attached by ClinVar (database versions not stated): TOPMed below 0.00001; gnomAD exomes 0.00001.
gnomAD v4.1: 9 of 1,614,094 alleles (0.00056%); highest among the groups gnomAD compares: Non-Finnish European, 0.00076%; no homozygotes.

Submission:

Labcorp Genetics (formerly Invitae), Labcorp
Classification: Uncertain significance for Accelerated tumor formation, susceptibility to. Last evaluated: 2021-05-03. Review status: criteria provided, single submitter. Criteria: Invitae Variant Classification Sherloc (09022015). Collection method: clinical testing. Allele origin: germline.
Comment: In summary, the available evidence is currently insufficient to determine the role of this variant in disease. Therefore, it has been classified as a Variant of Uncertain Significance. Experimental studies are conflicting or provide insufficient evidence to determine the effect of this variant on MDM2 protein function (PMID: 23653682). This variant has not been reported in the literature in individuals with MDM2-related conditions. This variant is not present in population databases (ExAC no frequency). This sequence change replaces threonine with alanine at codon 16 of the MDM2 protein (p.Thr16Ala). The threonine residue is highly conserved and there is a small physicochemical difference between threonine and alanine.

Literature cited by the submitters: PubMed 23653682.